The following is an entry in ClinVar:

ClinVar aggregate classification (germline): Uncertain significance (1 of 4 stars; one submission).

Submission:

Labcorp Genetics (formerly Invitae), Labcorp
Classification: Uncertain significance. Last evaluated: 2021-12-19. Review status: criteria provided, single submitter. Criteria: Invitae Variant Classification Sherloc (09022015). Collection method: clinical testing. Allele origin: germline.
Comment: In summary, the available evidence is currently insufficient to determine the role of this variant in disease. Therefore, it has been classified as a Variant of Uncertain Significance. Algorithms developed to predict the effect of missense changes on protein structure and function are either unavailable or do not agree on the potential impact of this missense change (SIFT: "Tolerated"; PolyPhen-2: "Probably Damaging"; Align-GVGD: "Class C0"). This variant has not been reported in the literature in individuals affected with HMCN1-related conditions. This variant is not present in population databases (gnomAD no frequency). This sequence change replaces valine, which is neutral and non-polar, with alanine, which is neutral and non-polar, at codon 472 of the HMCN1 protein (p.Val472Ala).

NM_031935.3(HMCN1):c.1415T>C (p.Val472Ala)

Gene: HMCN1 (hemicentin 1; plus strand). Cytogenetic location: 1q31.1.
Variant type: single nucleotide variant.
Coding change: c.1415T>C on transcript NM_031935.3 (MANE Select); coding-DNA position 1415, T replaced by C.
Protein change: p.Val472Ala; replaces valine 472 with alanine.
Molecular consequence: missense variant.
Genome position (GRCh38, 1-based): chr1:185,925,176, T>C. VCF-style: chr1-185925176-T-C. GRCh37 (hg19) VCF-style: chr1-185894308-T-C.
Other names: short protein forms V472A.
Identifiers: ClinVar variation 2047815 (VCV002047815.4), dbSNP rs1005462500, ClinGen allele CA343895649.
Genomic context (GRCh38, chr1:185,925,176, plus strand): 5'-CTGTTGACAGTCTTTTGCCCTTTACCTTGAGCTTTGTCAGAAATGGAGTTACACTTGGAG[T>C]AGACCAGTATTTGAAGTAGGTACATGTTTCTGTCAGTAATAAGATTCAGCATTTAACATG-3'
Protein context (NP_114141.2, residues 462-482): SFVRNGVTLG[Val472Ala]DQYLKESASV